The following is an entry in ClinVar:

ClinVar aggregate classification (germline): Uncertain significance (1 of 4 stars; one submission).

gnomAD v4.1: 3 of 1,573,196 alleles (0.00019%); highest among the groups gnomAD compares: Non-Finnish European, 0.00026%; no homozygotes.

Submission:

Labcorp Genetics (formerly Invitae), Labcorp
Classification: Uncertain significance. Last evaluated: 2025-03-30. Review status: criteria provided, single submitter. Criteria: Invitae Variant Classification Sherloc (09022015). Collection method: clinical testing. Allele origin: germline.
Comment: This sequence change falls in intron 20 of the KIF11 gene. It does not directly change the encoded amino acid sequence of the KIF11 protein. It affects a nucleotide within the consensus splice site. This variant is present in population databases (rs377018771, gnomAD 0.0009%). This variant has not been reported in the literature in individuals affected with KIF11-related conditions. Variants that disrupt the consensus splice site are a relatively common cause of aberrant splicing (PMID: 17576681, 9536098). Algorithms developed to predict the effect of sequence changes on RNA splicing suggest that this variant is not likely to affect RNA splicing. In summary, the available evidence is currently insufficient to determine the role of this variant in disease. Therefore, it has been classified as a Variant of Uncertain Significance.

Literature cited by the submitters: PubMed 17576681; PubMed 9536098.

NM_004523.4(KIF11):c.2923-3T>C

Gene: KIF11 (kinesin family member 11; plus strand). Cytogenetic location: 10q23.33.
Variant type: single nucleotide variant.
Coding change: c.2923-3T>C on transcript NM_004523.4 (MANE Select); 3 bases into the intron before coding-DNA position 2923, T replaced by C.
Molecular consequence: intron variant.
Genome position (GRCh38, 1-based): chr10:92,650,398, T>C. VCF-style: chr10-92650398-T-C. GRCh37 (hg19) VCF-style: chr10-94410155-T-C.
Identifiers: ClinVar variation 4767335 (VCV004767335.1).